The following is an entry in ClinVar:

NM_001377.3(DYNC2H1):c.11161G>T (p.Glu3721Ter)

Gene: DYNC2H1 (dynein cytoplasmic 2 heavy chain 1; plus strand). Cytogenetic location: 11q22.3.
Variant type: single nucleotide variant.
Coding change: c.11161G>T on transcript NM_001377.3 (MANE Select); coding-DNA position 11161, G replaced by T.
Protein change: p.Glu3721Ter; replaces glutamic acid 3721 with a stop codon.
Molecular consequence: nonsense.
Genome position (GRCh38, 1-based): chr11:103,303,158, G>T. VCF-style: chr11-103303158-G-T. GRCh37 (hg19) VCF-style: chr11-103173887-G-T.
Other names: c.11182G>T, p.Glu3728Ter (NM_001080463.2); short protein forms E3728*, E3721*.
Identifiers: ClinVar variation 432093 (VCV000432093.2), dbSNP rs1555095233, ClinGen allele CA382259271.

ClinVar aggregate classification (germline): Likely pathogenic (1 of 4 stars; one submission).

Submission:

GeneDx
Classification: Likely pathogenic. Last evaluated: 2016-03-05. Review status: criteria provided, single submitter. Criteria: GeneDx Variant Classification (06012015). Collection method: clinical testing. Allele origin: germline. Affected: yes.
Comment: The E3728X variant in the DYNC2H1 gene has not been reported previously as a pathogenic variant nor as a benign variant, to our knowledge. This variant is predicted to cause loss of normal protein function either through protein truncation or nonsense-mediated mRNA decay. The E3728X variant was not observed in approximately 5900 individuals of European and African American ancestry in the NHLBI Exome Sequencing Project, indicating it is not a common benign variant in these populations. The E3728X variant is a strong candidate for a pathogenic variant, however the possibility it may be a rare benign variant cannot be excluded.